The following is an entry in ClinVar:

NM_002890.3(RASA1):c.472T>C (p.Ser158Pro)

Gene: RASA1 (RAS p21 protein activator 1; plus strand). Cytogenetic location: 5q14.3.
Variant type: single nucleotide variant.
Coding change: c.472T>C on transcript NM_002890.3 (MANE Select); coding-DNA position 472, T replaced by C.
Protein change: p.Ser158Pro; replaces serine 158 with proline.
Molecular consequence: missense variant.
Genome position (GRCh38, 1-based): chr5:87,268,923, T>C. VCF-style: chr5-87268923-T-C. GRCh37 (hg19) VCF-style: chr5-86564740-T-C.
Other names: c.472T>C (NM_002890.2); short protein forms S158P.
Identifiers: ClinVar variation 1367977 (VCV001367977.11), dbSNP rs780636400, ClinGen allele CA3335441.

ClinVar aggregate classification (germline): Uncertain significance. Review status: criteria provided, multiple submitters, no conflicts (2 of 4 stars). 3 submissions from 3 submitters: Uncertain significance (3). Last evaluated 2025-09-10.

Conditions:
Cardiovascular phenotype. Identifiers: MedGen CN230736.
Capillary malformation-arteriovenous malformation syndrome. Also called: Capillary malformation-arteriovenous malformation. Identifiers: Orphanet 137667, MedGen C1842180, MONDO:0012016.
RASA1-related disorder. Also called: RASA1-related condition.

Allele frequency attached by ClinVar (database versions not stated): gnomAD 0.00002; gnomAD exomes 0.00002; TOPMed 0.00002.
gnomAD v4.1: 30 of 1,614,006 alleles (0.0019%); highest among the groups gnomAD compares: Non-Finnish European, 0.0025%; no homozygotes.

Submissions (3):

Labcorp Genetics (formerly Invitae), Labcorp
Classification: Uncertain significance for Capillary malformation-arteriovenous malformation syndrome. Last evaluated: 2025-09-10. Review status: criteria provided, single submitter. Criteria: Invitae Variant Classification Sherloc (09022015). Collection method: clinical testing. Allele origin: germline.
Comment: This sequence change replaces serine, which is neutral and polar, with proline, which is neutral and non-polar, at codon 158 of the RASA1 protein (p.Ser158Pro). This variant is present in population databases (rs780636400, gnomAD 0.004%). This variant has not been reported in the literature in individuals affected with RASA1-related conditions. ClinVar contains an entry for this variant (Variation ID: 1367977). An algorithm developed to predict the effect of missense changes on protein structure and function (PolyPhen-2) suggests that this variant is likely to be tolerated. In summary, the available evidence is currently insufficient to determine the role of this variant in disease. Therefore, it has been classified as a Variant of Uncertain Significance.

PreventionGenetics, part of Exact Sciences
Classification: Uncertain significance for RASA1-related condition. Last evaluated: 2025-09-10. Review status: criteria provided, single submitter. Criteria: ACMG Guidelines, 2015. Collection method: clinical testing. Allele origin: germline.
Comment: The RASA1 c.472T>C variant is predicted to result in the amino acid substitution p.Ser158Pro. To our knowledge, this variant has not been reported in the literature. This variant is reported in 0.0041% of alleles in individuals of African descent in gnomAD. This variant has an interpretation of uncertain significance in ClinVar (Variation ID: 1367977). At this time, the clinical significance of this variant is uncertain due to the absence of conclusive functional and genetic evidence.

Ambry Genetics
Classification: Uncertain significance for Cardiovascular phenotype. Last evaluated: 2019-09-24. Review status: criteria provided, single submitter. Criteria: Ambry Variant Classification Scheme 2023. Collection method: clinical testing. Allele origin: germline.
Comment: The p.S158P variant (also known as c.472T>C), located in coding exon 1 of the RASA1 gene, results from a T to C substitution at nucleotide position 472. The serine at codon 158 is replaced by proline, an amino acid with similar properties. This amino acid position is well conserved in available vertebrate species. In addition, this alteration is predicted to be tolerated by in silico analysis. Since supporting evidence is limited at this time, the clinical significance of this alteration remains unclear.